The following is an entry in ClinVar:

NM_001004334.4(GPR179):c.5815A>G (p.Thr1939Ala)

Gene: GPR179 (G protein-coupled receptor 179; minus strand). Cytogenetic location: 17q12.
Variant type: single nucleotide variant.
Coding change: c.5815A>G on transcript NM_001004334.4 (MANE Select); coding-DNA position 5815, A replaced by G.
Protein change: p.Thr1939Ala; replaces threonine 1939 with alanine.
Molecular consequence: missense variant.
Genome position (GRCh38, 1-based): chr17:38,327,754, T>C on the plus strand (A>G on the coding strand, the complement: GPR179 is on the minus strand). VCF-style: chr17-38327754-T-C. GRCh37 (hg19) VCF-style: chr17-36483637-T-C.
Other names: short protein forms T1939A.
Identifiers: ClinVar variation 1358792 (VCV001358792.8), dbSNP rs2144255879, ClinGen allele CA398870802.
Genomic context (GRCh38, chr17:38,327,754, plus strand): 5'-GACAGACGGATTGTAGCTCATGGCTTGTTTTTTCCCCATCTTCAGTAGTGAATTCTTCTG[T>C]GTCTGCAGCTGGAGCTTTTTCTTGGGTTATGTGTTCTGGGAAGGAACCTGTCTTTGGGTC-3'
Protein context (NP_001004334.3, residues 1929-1949): ITQEKAPAAD[Thr1939Ala]EEFTTEDGEK

ClinVar aggregate classification (germline): Uncertain significance (1 of 4 stars; one submission).

Submission:

Labcorp Genetics (formerly Invitae), Labcorp
Classification: Uncertain significance. Last evaluated: 2022-02-24. Review status: criteria provided, single submitter. Criteria: Invitae Variant Classification Sherloc (09022015). Collection method: clinical testing. Allele origin: germline.
Comment: Algorithms developed to predict the effect of missense changes on protein structure and function output the following: SIFT: "Tolerated"; PolyPhen-2: "Benign"; Align-GVGD: "Class C0". The alanine amino acid residue is found in multiple mammalian species, which suggests that this missense change does not adversely affect protein function. In summary, the available evidence is currently insufficient to determine the role of this variant in disease. Therefore, it has been classified as a Variant of Uncertain Significance. This variant has not been reported in the literature in individuals affected with GPR179-related conditions. This sequence change replaces threonine, which is neutral and polar, with alanine, which is neutral and non-polar, at codon 1939 of the GPR179 protein (p.Thr1939Ala). This variant is not present in population databases (gnomAD no frequency).